The following is an entry in ClinVar:

NM_006231.4(POLE):c.2T>C (p.Met1Thr)

Genes: POLE (DNA polymerase epsilon, catalytic subunit; minus strand), LOC130009266 (ATAC-STARR-seq lymphoblastoid silent region 5123; plus strand). Cytogenetic location: 12q24.33.
Variant type: single nucleotide variant.
Coding change: c.2T>C on transcript NM_006231.4 (MANE Select); coding-DNA position 2, T replaced by C.
Protein change: p.Met1Thr; changes the start codon (methionine 1).
Molecular consequence: missense variant, initiator codon variant.
Genome position (GRCh38, 1-based): chr12:132,687,314, A>G on the plus strand (T>C on the coding strand, the complement: POLE is on the minus strand). VCF-style: chr12-132687314-A-G. GRCh37 (hg19) VCF-style: chr12-133263900-A-G.
Other names: short protein forms M1T.
Identifiers: ClinVar variation 246154 (VCV000246154.19), dbSNP rs879254126, ClinGen allele CA10584417.

ClinVar aggregate classification (germline): Conflicting classifications of pathogenicity. Review status: criteria provided, conflicting classifications (1 of 4 stars). 5 submissions from 5 submitters: Pathogenic (1); Likely pathogenic (1); Uncertain significance (3). Last evaluated 2026-01-27.

Conditions:
Facial dysmorphism-immunodeficiency-livedo-short stature syndrome. Also called: Facial dysmorphism, immunodeficiency, livedo, and short stature; FILS syndrome. Identifiers: Orphanet 352712, MedGen C3554576, MONDO:0014058, OMIM 615139.
Colorectal cancer, susceptibility to, 12 (CRCS12). Also called: COLORECTAL CANCER, SUSCEPTIBILITY TO, ON CHROMOSOME 12q24. Identifiers: Orphanet 220460, MedGen C3554460, MONDO:0014038, OMIM 615083.
Intrauterine growth retardation, metaphyseal dysplasia, adrenal hypoplasia congenita, genital anomalies, and immunodeficiency. Also called: IMAGEI SYNDROME. Identifiers: MedGen C5193036, MONDO:0032684, OMIM 618336.
Hereditary cancer-predisposing syndrome. Also called: Tumor predisposition; Hereditary neoplastic syndrome; Hereditary Cancer Syndrome; Neoplastic Syndromes, Hereditary. Identifiers: Orphanet 140162, MedGen C0027672, MeSH D009386, MONDO:0015356.

Allele frequency attached by ClinVar (database versions not stated): TOPMed 0.00003.

Submissions (5):

Labcorp Genetics (formerly Invitae), Labcorp
Classification: Pathogenic. Last evaluated: 2026-01-27. Review status: criteria provided, single submitter. Criteria: Invitae Variant Classification Sherloc (09022015). Collection method: clinical testing. Allele origin: germline.
Comment: This sequence change affects the initiator codon of the POLE mRNA. This change may impact translation initiation or efficiency. The next in-frame methionine is located at codon 44. The frequency data for this variant in the population databases is considered unreliable, as metrics indicate poor data quality at this position in the gnomAD database. Disruption of the initiator codon has been observed in individual(s) with clinical features of autosomal recessive FILS syndrome (PMID: 30503519). In at least one individual the data is consistent with being in trans (on the opposite chromosome) from a pathogenic variant. It has also been observed to segregate with disease in related individuals. ClinVar contains an entry for this variant (Variation ID: 246154). For these reasons, this variant has been classified as Pathogenic.

Ambry Genetics
Classification: Uncertain significance for Hereditary cancer-predisposing syndrome. Last evaluated: 2026-01-08. Review status: criteria provided, single submitter. Criteria: Ambry Variant Classification Scheme 2023. Collection method: clinical testing. Allele origin: germline.
Comment: The p.M1? variant (also known as c.2T>C), located in coding exon 1 of the POLE gene, results from a T to C substitution at nucleotide position 2. This alters the methionine residue at the initiation codon (ATG). Another variant at this codon (c.1A>T) has been identified in conjunction with a second POLE variant (c.1686+32C>G) in individuals with features consistent with POLE deficiency; in at least one instance, the variants were identified in trans (Logan CV et al. Am J Hum Genet, 2018 Dec;103:1038-1044). This amino acid position is well conserved in available vertebrate species. Sequence variations that modify the initiation codon are expected to result in either loss of translation initiation, N-terminal truncation, or cause a shift in the mRNA reading frame. Although biallelic loss of function of POLE has been associated with autosomal recessive POLE deficiency, haploinsufficiency of POLE has not been established as a mechanism of disease for POLE-related polymerase proofreading-associated polyposis (PPAP) and POLE-related CMMRD-like syndrome. Based on the supporting evidence, this variant is expected to be causative of POLE deficiency when present along with a second pathogenic variant on the other allele; however, its clinical significance for PPAP and POLE-related CMMRD-like syndrome is unclear.

Center for Genomic Medicine, Rigshospitalet, Copenhagen University Hospital
Classification: Likely pathogenic. Last evaluated: 2025-03-04. Review status: criteria provided, single submitter. Criteria: ACMG Guidelines, 2015. Collection method: clinical testing. Allele origin: germline.

Fulgent Genetics
Classification: Uncertain significance for Colorectal cancer, susceptibility to, 12; Facial dysmorphism-immunodeficiency-livedo-short stature syndrome; Intrauterine growth retardation, metaphyseal dysplasia, adrenal hypoplasia congenita, genital anomalies, and immunodeficiency. Last evaluated: 2024-01-02. Review status: criteria provided, single submitter. Criteria: ACMG Guidelines, 2015. Collection method: clinical testing. Allele origin: germline.

GeneDx
Classification: Uncertain significance. Last evaluated: 2015-11-24. Review status: criteria provided, single submitter. Criteria: GeneDx Variant Classification (06012015). Collection method: clinical testing. Allele origin: germline. Affected: yes.
Comment: The c.2T>C variant in the POLE gene results in the loss of the initiator Methionine codon, and the resultant protein would be described as p.Met1?" to signify that it is not known if the loss of Met1 prevents all protein translation or if an abnormal protein is produced using an alternate Methionine codon. This variant has not, to our knowledge, been published in the literature as pathogenic or benign. POLE c.2T>C was not observed in approximately 3,900 individuals of European and African American ancestry in the NHLBI Exome Sequencing Project, suggesting it is not a common benign variant in these populations. While some missense variants have been recognized as an underlying cause of Polymerase Proofreading-Associated Polyposis (PPAP), there are no data at this time to support that loss-of-function variants confer the same cancer risks. We therefore consider POLE c.2T>C to be a variant of unknown significance with respect to cancer. To date, the majority of publications regarding POLE and colorectal cancer risk are confined to missense variants within the exonuclease domain (Palles 2013, Spier 2015). However, a splice variant and a frameshift variant have been reported. Pachlopnik Schmid et al. (2012) observed a splice variant at the +3 position in intron 34, in the homozygous state, in 11 family members with facial dysmorphism, immunodeficiency, livedo, and short stature (FILS) from a large consanguineous family; however, they noted that all heterozygous carriers were asymptomatic and did not have a history of cancer. As described above, facial dysmorphism, immunodeficiency, livedo, and short stature (FILS) appears to be a rare autosomal recessive condition associated with two loss-of-function variants in POLE (Pachlopnik Schmid 2012). For individuals and family members of reproductive age, assessment of the reproductive risk associated with being a carrier of a potential loss of function POLE variant may be considered."

Literature cited by the submitters: PubMed 30503519 (cited by Labcorp Genetics (formerly Invitae), Labcorp); PubMed 35534205 (cited by Center for Genomic Medicine, Rigshospitalet, Copenhagen University Hospital); PubMed 23263490 (cited by Center for Genomic Medicine, Rigshospitalet, Copenhagen University Hospital); PubMed 26251183 (cited by Center for Genomic Medicine, Rigshospitalet, Copenhagen University Hospital); PubMed 32792570 (cited by Center for Genomic Medicine, Rigshospitalet, Copenhagen University Hospital).